The following is an entry in ClinVar:

ClinVar aggregate classification (germline): Uncertain significance (1 of 4 stars; one submission).

Submission:

Labcorp Genetics (formerly Invitae), Labcorp
Classification: Uncertain significance. Last evaluated: 2021-08-28. Review status: criteria provided, single submitter. Criteria: Invitae Variant Classification Sherloc (09022015). Collection method: clinical testing. Allele origin: germline.
Comment: This sequence change replaces valine with isoleucine at codon 179 of the TTLL5 protein (p.Val179Ile). The valine residue is highly conserved and there is a small physicochemical difference between valine and isoleucine. This variant is not present in population databases (ExAC no frequency). This variant has not been reported in the literature in individuals affected with TTLL5-related conditions. Algorithms developed to predict the effect of missense changes on protein structure and function (SIFT, PolyPhen-2, Align-GVGD) all suggest that this variant is likely to be tolerated. In summary, the available evidence is currently insufficient to determine the role of this variant in disease. Therefore, it has been classified as a Variant of Uncertain Significance.

NM_015072.5(TTLL5):c.535G>A (p.Val179Ile)

Gene: TTLL5 (tubulin tyrosine ligase like 5; plus strand). Cytogenetic location: 14q24.3.
Variant type: single nucleotide variant.
Coding change: c.535G>A on transcript NM_015072.5 (MANE Select); coding-DNA position 535, G replaced by A.
Protein change: p.Val179Ile; replaces valine 179 with isoleucine.
Molecular consequence: missense variant.
Genome position (GRCh38, 1-based): chr14:75,699,220, G>A. VCF-style: chr14-75699220-G-A. GRCh37 (hg19) VCF-style: chr14-76165563-G-A.
Other names: short protein forms V179I.
Identifiers: ClinVar variation 864110 (VCV000864110.7), dbSNP rs1886084547, ClinGen allele CA390455587.